The following is an entry in ClinVar:

NM_000498.3(CYP11B2):c.837del (p.Phe280fs)

Genes: CYP11B2 (cytochrome P450 family 11 subfamily B member 2; minus strand), LOC106799834 (CYP11B2 recombination region; plus strand). Cytogenetic location: 8q24.3.
Variant type: Deletion.
Coding change: c.837del on transcript NM_000498.3 (MANE Select); coding-DNA position 837, one base deleted (C; older notation c.837delC).
Protein change: p.Phe280fs; shifts the reading frame from phenylalanine 280.
Molecular consequence: frameshift variant.
Genome position (GRCh38, 1-based): chr8:142,914,381, G deleted on the plus strand (C on the coding strand, the reverse complement: CYP11B2 is on the minus strand); the first of 2 consecutive G bases (chr8:142,914,381-142,914,382); deleting either gives the same sequence. VCF-style (leftmost placement, unchanged base first): chr8-142914380-AG-A. GRCh37 (hg19) VCF-style: chr8-143995796-AG-A.
Other names: short protein forms F280fs.
Identifiers: ClinVar variation 2760858 (VCV002760858.3), dbSNP rs2488700018, ClinGen allele CA2697550180.
Genomic context (GRCh38, chr8:142,914,380, plus strand): 5'-ACAGTTCCGCCTTCAACAGGAGCTCCGCCACGATGCCTGTGTAGTGTTGAGGGCGGTTGA[AG>A]GCCAGTTCCTGGTAGATTTTCTGGATACAGTTGTCACCTGTCCAGGGAGCAGGGGACAGC-3'

ClinVar aggregate classification (germline): Pathogenic (1 of 4 stars; one submission).

Submission:

Labcorp Genetics (formerly Invitae), Labcorp
Classification: Pathogenic. Last evaluated: 2023-09-15. Review status: criteria provided, single submitter. Criteria: Invitae Variant Classification Sherloc (09022015). Collection method: clinical testing. Allele origin: germline.
Comment: For these reasons, this variant has been classified as Pathogenic. This variant has not been reported in the literature in individuals affected with CYP11B2-related conditions. This variant is not present in population databases (gnomAD no frequency). This sequence change creates a premature translational stop signal (p.Phe280Serfs*16) in the CYP11B2 gene. It is expected to result in an absent or disrupted protein product. Loss-of-function variants in CYP11B2 are known to be pathogenic (PMID: 20494601, 22801770, 26936515).

Literature cited by the submitters: PubMed 20494601; PubMed 22801770; PubMed 26936515.